The following is an entry in ClinVar:

NM_000208.4(INSR):c.4082A>G (p.Tyr1361Cys)

Gene: INSR (insulin receptor; minus strand). Cytogenetic location: 19p13.2.
Variant type: single nucleotide variant.
Coding change: c.4082A>G on transcript NM_000208.4 (MANE Select); coding-DNA position 4082, A replaced by G.
Protein change: p.Tyr1361Cys; replaces tyrosine 1361 with cysteine.
Molecular consequence: missense variant.
Genome position (GRCh38, 1-based): chr19:7,117,123, T>C on the plus strand (A>G on the coding strand, the complement: INSR is on the minus strand). VCF-style: chr19-7117123-T-C. GRCh37 (hg19) VCF-style: chr19-7117134-T-C.
Other names: c.4046A>G, p.Tyr1349Cys (NM_001079817.3); short protein forms Y1361C, Y1349C.
Identifiers: ClinVar variation 330438 (VCV000330438.8), dbSNP rs13306449, ClinGen allele CA9135093.
Genomic context (GRCh38, chr19:7,117,123, plus strand): 5'-GGATTGGACCGAGGCAAGGTCAGAATCCGCCCGTTTTTCTTGCCTCCGTTCATGTGTGTG[T>C]AAGGGATGTGTTCCTCGTAGCTCCGCTTGAAACCCAGCGAGGACCCTCCATCCCGGCCCC-3'
Protein context (NP_000199.2, residues 1351-1371): FKRSYEEHIP[Tyr1361Cys]THMNGGKKNG

ClinVar aggregate classification (germline): Conflicting classifications of pathogenicity. Review status: criteria provided, conflicting classifications (1 of 4 stars). 4 submissions from 2 submitters: Uncertain significance (1); Likely benign (3). Last evaluated 2023-11-13.

Conditions:
Leprechaunism syndrome. Also called: Donohue syndrome; LEPRECHAUNISM. Identifiers: Orphanet 508, MedGen C0265344, MONDO:0009517, OMIM 246200.
Insulin-resistant diabetes mellitus AND acanthosis nigricans. Also called: Insulin-resistance syndrome type A; INSULIN RECEPTOR, DEFECT IN, WITH INSULIN-RESISTANT DIABETES MELLITUS AND ACANTHOSIS NIGRICANS; IRAN, TYPE A; type A insulin resistance; DIABETES MELLITUS, INSULIN-RESISTANT, WITH ACANTHOSIS NIGRICANS, TYPE A. Identifiers: Orphanet 2297, MedGen C0342278, MONDO:0012520, OMIM 610549.
Rabson-Mendenhall syndrome. Also called: MENDENHALL SYNDROME; Pineal Hyperplasia, Insulin-Resistant Diabetes Mellitus, and Somatic Abnormalities; Pineal hyperplasia AND diabetes mellitus syndrome. Identifiers: Orphanet 769, MedGen C0271695, MONDO:0009874, OMIM 262190.

Allele frequency attached by ClinVar (database versions not stated): gnomAD 0.00001 and 0.00003; TOPMed 0.00001; gnomAD exomes 0.00002; ExAC 0.00003; 1000 Genomes Project 30x 0.00016; 1000 Genomes Project 0.00020.
gnomAD v4.1: 155 of 1,614,150 alleles (0.0096%); highest among the groups gnomAD compares: East Asian, 0.35%; 1 homozygote.

Submissions (4):

Labcorp Genetics (formerly Invitae), Labcorp
Classification: Uncertain significance. Last evaluated: 2023-11-13. Review status: criteria provided, single submitter. Criteria: Invitae Variant Classification Sherloc (09022015). Collection method: clinical testing. Allele origin: germline.
Comment: This sequence change replaces tyrosine, which is neutral and polar, with cysteine, which is neutral and slightly polar, at codon 1361 of the INSR protein (p.Tyr1361Cys). This variant is present in population databases (rs13306449, gnomAD 0.05%). This missense change has been observed in individual(s) with INSR-related conditions (PMID: 7657032). ClinVar contains an entry for this variant (Variation ID: 330438). An algorithm developed to predict the effect of missense changes on protein structure and function (PolyPhen-2) suggests that this variant is likely to be disruptive. In summary, the available evidence is currently insufficient to determine the role of this variant in disease. Therefore, it has been classified as a Variant of Uncertain Significance.

Illumina Laboratory Services, Illumina
Classification: Likely benign for Leprechaunism syndrome. Last evaluated: 2017-04-27. Review status: criteria provided, single submitter. Criteria: ICSL Variant Classification Criteria 13 December 2019. Collection method: clinical testing. Allele origin: germline.
Comment: This variant was observed as part of a predisposition screen in an ostensibly healthy population. A literature search was performed for the gene, cDNA change, and amino acid change (where applicable). No publications were found based on this search. Allele frequency data from public databases allowed determination this variant is unlikely to cause disease. Therefore, this variant is classified as likely benign.

Illumina Laboratory Services, Illumina
Classification: Likely benign for Insulin-resistant diabetes mellitus AND acanthosis nigricans. Last evaluated: 2017-04-27. Review status: criteria provided, single submitter. Criteria: ICSL Variant Classification Criteria 13 December 2019. Collection method: clinical testing. Allele origin: germline.
Comment: This variant was observed as part of a predisposition screen in an ostensibly healthy population. A literature search was performed for the gene, cDNA change, and amino acid change (where applicable). Publications were found based on this search. The evidence from the literature, in combination with allele frequency data from public databases where available, was sufficient to determine this variant is unlikely to cause disease. Therefore, this variant is classified as likely benign.

Illumina Laboratory Services, Illumina
Classification: Likely benign for Rabson-Mendenhall syndrome. Last evaluated: 2017-04-27. Review status: criteria provided, single submitter. Criteria: ICSL Variant Classification Criteria 13 December 2019. Collection method: clinical testing. Allele origin: germline.
Comment: the same text as in the submission from Illumina Laboratory Services, Illumina above.

Literature cited by the submitters: PubMed 7657032 (cited by Labcorp Genetics (formerly Invitae), Labcorp and Illumina Laboratory Services, Illumina).